The following is an entry in ClinVar:

NM_004380.3(CREBBP):c.6621ACA[1] (p.Gln2216del)

Gene: CREBBP (CREB binding lysine acetyltransferase; minus strand). Cytogenetic location: 16p13.3.
Variant type: Microsatellite.
Coding change: c.6621ACA[1] on transcript NM_004380.3 (MANE Select); one copy of the 3-base unit ACA starting at c.6621; the reference has two copies in a row; one copy, 3 bases deleted.
Protein change: p.Gln2216del; deletes glutamine 2216.
Molecular consequence: inframe deletion.
Genome position (GRCh38, 1-based): chr16:3,728,421-3,728,423, TGT deleted on the plus strand (ACA on the coding strand, the reverse complement: CREBBP is on the minus strand); deleting any 3 consecutive bases within chr16:3,728,421-3,728,428 gives the same sequence; the position shown is the placement nearest the transcript's 3' end. VCF-style (leftmost placement, unchanged base first): chr16-3728420-CTGT-C. GRCh37 (hg19) VCF-style: chr16-3778421-CTGT-C.
Other names: c.6507ACA[1], p.Gln2178del (NM_001079846.1); short protein forms Q2178del, Q2216del.
Identifiers: ClinVar variation 2064348 (VCV002064348.4), dbSNP rs754267405, ClinGen allele CA7869055.

ClinVar aggregate classification (germline): Uncertain significance (1 of 4 stars; one submission).

Conditions:
Rubinstein-Taybi syndrome (RSTS). Identifiers: Orphanet 783, MedGen C0035934, MONDO:0019188.

Submission:

Labcorp Genetics (formerly Invitae), Labcorp
Classification: Uncertain significance for Rubinstein-Taybi syndrome. Last evaluated: 2022-12-01. Review status: criteria provided, single submitter. Criteria: Invitae Variant Classification Sherloc (09022015). Collection method: clinical testing. Allele origin: germline.
Comment: This variant, c.6624_6626del, results in the deletion of 1 amino acid(s) of the CREBBP protein (p.Gln2216del), but otherwise preserves the integrity of the reading frame. The frequency data for this variant in the population databases is considered unreliable, as metrics indicate poor data quality at this position in the gnomAD database. This variant has not been reported in the literature in individuals affected with CREBBP-related conditions. Experimental studies and prediction algorithms are not available or were not evaluated, and the functional significance of this variant is currently unknown. In summary, the available evidence is currently insufficient to determine the role of this variant in disease. Therefore, it has been classified as a Variant of Uncertain Significance.